The following is an entry in ClinVar:

NM_001365480.1(CCDC88A):c.2470A>T (p.Thr824Ser)

Gene: CCDC88A (coiled-coil and HOOK domain protein 88A; minus strand). Cytogenetic location: 2p16.1.
Variant type: single nucleotide variant.
Coding change: c.2470A>T on transcript NM_001365480.1 (MANE Select); coding-DNA position 2470, A replaced by T.
Protein change: p.Thr824Ser; replaces threonine 824 with serine.
Molecular consequence: missense variant.
Genome position (GRCh38, 1-based): chr2:55,334,351, T>A on the plus strand (A>T on the coding strand, the complement: CCDC88A is on the minus strand). VCF-style: chr2-55334351-T-A. GRCh37 (hg19) VCF-style: chr2-55561487-T-A.
Other names: c.2470A>T, p.Thr824Ser (NM_001135597.2, NM_001254943.2, NM_018084.5); short protein forms T824S.
Identifiers: ClinVar variation 2182836 (VCV002182836.2), dbSNP rs2544835458, ClinGen allele CA346899242.

ClinVar aggregate classification (germline): Uncertain significance (1 of 4 stars; one submission).

Submission:

Labcorp Genetics (formerly Invitae), Labcorp
Classification: Uncertain significance. Last evaluated: 2025-07-14. Review status: criteria provided, single submitter. Criteria: Invitae Variant Classification Sherloc (09022015). Collection method: clinical testing. Allele origin: germline.
Comment: This sequence change replaces threonine, which is neutral and polar, with serine, which is neutral and polar, at codon 824 of the CCDC88A protein (p.Thr824Ser). This variant is not present in population databases (gnomAD no frequency). This variant has not been reported in the literature in individuals affected with CCDC88A-related conditions. ClinVar contains an entry for this variant (Variation ID: 2182836). An algorithm developed to predict the effect of missense changes on protein structure and function (PolyPhen-2) suggests that this variant is likely to be tolerated. In summary, the available evidence is currently insufficient to determine the role of this variant in disease. Therefore, it has been classified as a Variant of Uncertain Significance.